The following is an entry in ClinVar:

NM_001384732.1(CPLANE1):c.6242AAC[1] (p.Gln2082del)

Gene: CPLANE1 (ciliogenesis and planar polarity effector complex subunit 1; minus strand). Cytogenetic location: 5p13.2.
Variant type: Microsatellite.
Coding change: c.6242AAC[1] on transcript NM_001384732.1 (MANE Select); one copy of the 3-base unit AAC starting at c.6242; the reference has two copies in a row; one copy, 3 bases deleted.
Protein change: p.Gln2082del; deletes glutamine 2082.
Genome position (GRCh38, 1-based): chr5:37,170,256-37,170,258, GTT deleted on the plus strand (AAC on the coding strand, the reverse complement: CPLANE1 is on the minus strand); deleting any 3 consecutive bases within chr5:37,170,256-37,170,263 gives the same sequence; the position shown is the placement nearest the transcript's 3' end. VCF-style (leftmost placement, unchanged base first): chr5-37170255-AGTT-A. GRCh37 (hg19) VCF-style: chr5-37170357-AGTT-A.
Other names: c.6242AAC[1], p.Gln2082del (NM_023073.4); short protein forms Q2082del.
Identifiers: ClinVar variation 5034929 (VCV005034929.1).

ClinVar aggregate classification (germline): Uncertain significance (1 of 4 stars; one submission).

Conditions:
Inborn genetic diseases. Identifiers: MedGen C0950123, MeSH D030342.

Submission:

Ambry Genetics
Classification: Uncertain significance for Inborn genetic diseases. Last evaluated: 2026-07-29. Review status: criteria provided, single submitter. Criteria: Ambry Variant Classification Scheme 2023. Collection method: clinical testing. Allele origin: germline.
Comment: The c.6245_6247delAAC (p.Q2082del) alteration is located in exon 33 (coding exon 32) of the C5orf42 gene. This alteration consists of an in-frame deletion of 3 nucleotides between nucleotide positions c.6245 and c.6247, resulting in the deletion of 1 residue at codon 2082. Based on data from gnomAD, the c.6245_6247delAAC allele has an overall frequency of 0.003% (9/282790) total alleles studied. The highest observed frequency was 0.0046% (6/129110) of European (non-Finnish) alleles. This amino acid position is not well conserved in available vertebrate species. Based on insufficient or conflicting evidence, the clinical significance of this alteration remains unclear.

Literature cited by the submitters: PubMed 28106320.